The following is an entry in ClinVar:

ClinVar aggregate classification (germline): Uncertain significance (1 of 4 stars; one submission).

Conditions:
MEGF8-related Carpenter syndrome. Also called: Carpenter syndrome 2. Identifiers: Orphanet 65759, MedGen C3554247, MONDO:0013998, OMIM 614976.

Allele frequency attached by ClinVar (database versions not stated): TOPMed 0.00002; gnomAD 0.00003.
gnomAD v4.1: 142 of 1,608,746 alleles (0.0088%); highest among the groups gnomAD compares: Non-Finnish European, 0.012%; no homozygotes.

Submission:

Labcorp Genetics (formerly Invitae), Labcorp
Classification: Uncertain significance for MEGF8-related Carpenter syndrome. Last evaluated: 2016-10-18. Review status: criteria provided, single submitter. Criteria: Invitae Variant Classification Sherloc (09022015). Collection method: clinical testing. Allele origin: germline.
Comment: This sequence change replaces arginine with histidine at codon 2400 of the MEGF8 protein (p.Arg2400His). The arginine residue is moderately conserved and there is a small physicochemical difference between arginine and histidine. In summary, this variant is a novel missense change with uncertain impact on protein function. It has been classified as a Variant of Uncertain Significance. Algorithms developed to predict the effect of missense changes on protein structure and function do not agree on the potential impact of this missense change (SIFT: "Deleterious"; PolyPhen-2: "Possibly Damaging"; Align-GVGD: "Class C0"). This variant is not present in population databases (ExAC no frequency) and has not been reported in the literature in individuals with a MEGF8-related disease.

NM_001271938.2(MEGF8):c.7400G>A (p.Arg2467His)

Gene: MEGF8 (multiple EGF like domains 8; plus strand). Cytogenetic location: 19q13.2.
Variant type: single nucleotide variant.
Coding change: c.7400G>A on transcript NM_001271938.2 (MANE Select); coding-DNA position 7400, G replaced by A.
Protein change: p.Arg2467His; replaces arginine 2467 with histidine.
Molecular consequence: missense variant.
Genome position (GRCh38, 1-based): chr19:42,375,637, G>A. VCF-style: chr19-42375637-G-A. GRCh37 (hg19) VCF-style: chr19-42879789-G-A.
Other names: c.7199G>A, p.Arg2400His (NM_001410.3); short protein forms R2400H, R2467H.
Identifiers: ClinVar variation 473345 (VCV000473345.7), dbSNP rs757739507, ClinGen allele CA308658441.